The following is an entry in ClinVar:

ClinVar aggregate classification (germline): Conflicting classifications of pathogenicity. Review status: criteria provided, conflicting classifications (1 of 4 stars). 5 submissions from 5 submitters: Uncertain significance (4); Likely benign (1). Last evaluated 2025-08-03.

Conditions:
Inborn genetic diseases. Identifiers: MedGen C0950123, MeSH D030342.

Allele frequency attached by ClinVar (database versions not stated): TOPMed 0.00007; ExAC 0.00009; gnomAD exomes 0.00009; gnomAD 0.00011.
gnomAD v4.1: 143 of 1,565,320 alleles (0.0091%); highest among the groups gnomAD compares: South Asian, 0.025%; no homozygotes.

Submissions (5):

Ambry Genetics
Classification: Uncertain significance for Inborn genetic diseases. Last evaluated: 2025-08-03. Review status: criteria provided, single submitter. Criteria: Ambry Variant Classification Scheme 2023. Collection method: clinical testing. Allele origin: germline.

GeneDx
Classification: Uncertain significance. Last evaluated: 2025-06-03. Review status: criteria provided, single submitter. Criteria: GeneDx Variant Classification Process June 2021. Collection method: clinical testing. Allele origin: germline. Affected: yes.
Comment: In silico analysis suggests that this missense variant does not alter protein structure/function; Has not been previously published as pathogenic or benign to our knowledge

Labcorp Genetics (formerly Invitae), Labcorp
Classification: Uncertain significance. Last evaluated: 2025-05-15. Review status: criteria provided, single submitter. Criteria: Invitae Variant Classification Sherloc (09022015). Collection method: clinical testing. Allele origin: germline.
Comment: This sequence change replaces glutamic acid, which is acidic and polar, with lysine, which is basic and polar, at codon 12 of the TBX4 protein (p.Glu12Lys). This variant is present in population databases (rs756802394, gnomAD 0.02%). This variant has not been reported in the literature in individuals affected with TBX4-related conditions. ClinVar contains an entry for this variant (Variation ID: 2906952). Invitae Evidence Modeling of protein sequence and biophysical properties (such as structural, functional, and spatial information, amino acid conservation, physicochemical variation, residue mobility, and thermodynamic stability) indicates that this missense variant is not expected to disrupt TBX4 protein function with a negative predictive value of 95%. In summary, the available evidence is currently insufficient to determine the role of this variant in disease. Therefore, it has been classified as a Variant of Uncertain Significance.

Blueprint Genetics
Classification: Likely benign. Last evaluated: 2024-09-03. Review status: criteria provided, single submitter. Criteria: ACMG Guidelines, 2015. Collection method: clinical testing. Allele origin: germline.

CeGaT Center for Human Genetics Tuebingen
Classification: Uncertain significance. Last evaluated: 2024-05-01. Review status: criteria provided, single submitter. Criteria: CeGaT Center For Human Genetics Tuebingen Variant Classification Criteria Version 2. Collection method: clinical testing. Allele origin: germline. Affected: yes. Observed: 1 variant allele.

NM_001321120.2(TBX4):c.34G>A (p.Glu12Lys)

Gene: TBX4 (T-box transcription factor 4; plus strand). Cytogenetic location: 17q23.2.
Variant type: single nucleotide variant.
Coding change: c.34G>A on transcript NM_001321120.2 (MANE Select); coding-DNA position 34, G replaced by A.
Protein change: p.Glu12Lys; replaces glutamic acid 12 with lysine.
Molecular consequence: missense variant.
Genome position (GRCh38, 1-based): chr17:61,456,524, G>A. VCF-style: chr17-61456524-G-A. GRCh37 (hg19) VCF-style: chr17-59533885-G-A.
Other names: c.34G>A (NM_018488.2); c.34G>A, p.Glu12Lys (NM_018488.3); short protein forms E12K.
Identifiers: ClinVar variation 2906952 (VCV002906952.24), dbSNP rs756802394, ClinGen allele CA8689726.